The following is an entry in ClinVar:

ClinVar aggregate classification (germline): Likely benign. Review status: criteria provided, multiple submitters, no conflicts (2 of 4 stars). 5 submissions from 5 submitters: Likely benign (4). 1 of the submissions does not count toward it. Last evaluated 2026-02-01.

Conditions:
KMT2E-related disorder. Also called: KMT2E-related condition.

Allele frequency attached by ClinVar (database versions not stated): 1000 Genomes Project 0.00120; 1000 Genomes Project 30x 0.00125; ExAC 0.00186; ESP Exome Variant Server 0.00192; gnomAD 0.00192 and 0.00197; gnomAD exomes 0.00193 and 0.00300; TOPMed 0.00201.
gnomAD v4.1: 4,646 of 1,614,132 alleles (0.29%); highest among the groups gnomAD compares: Non-Finnish European, 0.36%; 11 homozygotes.

Submissions (5):

CeGaT Center for Human Genetics Tuebingen
Classification: Likely benign. Last evaluated: 2026-02-01. Review status: criteria provided, single submitter. Criteria: CeGaT Center For Human Genetics Tuebingen Variant Classification Criteria Version 2. Collection method: clinical testing. Allele origin: germline. Affected: yes. Observed: 5 variant alleles.
Comment: KMT2E: BS1

Labcorp Genetics (formerly Invitae), Labcorp
Classification: Likely benign. Last evaluated: 2026-01-26. Review status: criteria provided, single submitter. Criteria: Invitae Variant Classification Sherloc (09022015). Collection method: clinical testing. Allele origin: germline.

Blueprint Genetics
Classification: Likely benign. Last evaluated: 2024-11-26. Review status: criteria provided, single submitter. Criteria: ACMG Guidelines, 2015. Collection method: clinical testing. Allele origin: germline.

Breakthrough Genomics
Classification: Likely benign. Review status: criteria provided, single submitter. Criteria: ACMG Guidelines, 2015. Collection method: not provided. Allele origin: germline. Inheritance: Autosomal dominant inheritance. Affected: yes.

PreventionGenetics, part of Exact Sciences
Classification: Likely benign for KMT2E-related condition. Last evaluated: 2021-01-15. Review status: no assertion criteria provided. Collection method: clinical testing. Allele origin: germline. Not counted in ClinVar's aggregate classification.
Comment: This variant is classified as likely benign based on ACMG/AMP sequence variant interpretation guidelines (Richards et al. 2015 PMID: 25741868, with internal and published modifications).

NM_182931.3(KMT2E):c.5350C>T (p.Pro1784Ser)

Gene: KMT2E (lysine methyltransferase 2E (inactive); plus strand). Cytogenetic location: 7q22.3.
Variant type: single nucleotide variant.
Coding change: c.5350C>T on transcript NM_182931.3 (MANE Select); coding-DNA position 5350, C replaced by T.
Protein change: p.Pro1784Ser; replaces proline 1784 with serine.
Molecular consequence: missense variant.
Genome position (GRCh38, 1-based): chr7:105,113,106, C>T. VCF-style: chr7-105113106-C-T. GRCh37 (hg19) VCF-style: chr7-104753553-C-T.
Other names: c.5350C>T, p.Pro1784Ser (NM_018682.4); short protein forms P1784S.
Identifiers: ClinVar variation 708789 (VCV000708789.34), dbSNP rs145540034, ClinGen allele CA4424969.